The following is an entry in ClinVar:

ClinVar aggregate classification (germline): Uncertain significance (1 of 4 stars; one submission).

Conditions:
Noonan syndrome (NS). Also called: Noonan's syndrome. Identifiers: Orphanet 648, MedGen C0028326, MeSH D009634, MONDO:0018997. Disease mechanism: gain of function.

Allele frequency attached by ClinVar (database versions not stated): gnomAD exomes below 0.00001.

Submission:

Labcorp Genetics (formerly Invitae), Labcorp
Classification: Uncertain significance for Noonan syndrome. Last evaluated: 2022-12-13. Review status: criteria provided, single submitter. Criteria: Invitae Variant Classification Sherloc (09022015). Collection method: clinical testing. Allele origin: germline.
Comment: In summary, the available evidence is currently insufficient to determine the role of this variant in disease. Therefore, it has been classified as a Variant of Uncertain Significance. Algorithms developed to predict the effect of missense changes on protein structure and function are either unavailable or do not agree on the potential impact of this missense change (SIFT: "Tolerated"; PolyPhen-2: "Possibly Damaging"; Align-GVGD: "Class C0"). ClinVar contains an entry for this variant (Variation ID: 1717286). This variant has not been reported in the literature in individuals affected with RRAS-related conditions. This variant is not present in population databases (gnomAD no frequency). This sequence change replaces proline, which is neutral and non-polar, with leucine, which is neutral and non-polar, at codon 26 of the RRAS protein (p.Pro26Leu).

NM_006270.5(RRAS):c.77C>T (p.Pro26Leu)

Gene: RRAS (RAS related; minus strand). Cytogenetic location: 19q13.33.
Variant type: single nucleotide variant.
Coding change: c.77C>T on transcript NM_006270.5 (MANE Select); coding-DNA position 77, C replaced by T.
Protein change: p.Pro26Leu; replaces proline 26 with leucine.
Molecular consequence: missense variant.
Genome position (GRCh38, 1-based): chr19:49,640,022, G>A on the plus strand (C>T on the coding strand, the complement: RRAS is on the minus strand). VCF-style: chr19-49640022-G-A. GRCh37 (hg19) VCF-style: chr19-50143279-G-A.
Other names: short protein forms P26L.
Identifiers: ClinVar variation 1717286 (VCV001717286.5), dbSNP rs2513709636, ClinGen allele CA406849814.